The following is an entry in ClinVar:

NM_001297595.2(SIN3B):c.2069G>A (p.Gly690Glu)

Gene: SIN3B (SIN3 transcription regulator family member B; plus strand). Cytogenetic location: 19p13.11.
Variant type: single nucleotide variant.
Coding change: c.2069G>A on transcript NM_001297595.2 (MANE Select); coding-DNA position 2069, G replaced by A.
Protein change: p.Gly690Glu; replaces glycine 690 with glutamic acid.
Molecular consequence: missense variant.
Genome position (GRCh38, 1-based): chr19:16,869,722, G>A. VCF-style: chr19-16869722-G-A. GRCh37 (hg19) VCF-style: chr19-16980533-G-A.
Other names: c.839G>A, p.Gly280Glu (NM_001297597.2); c.2165G>A, p.Gly722Glu (NM_015260.4); short protein forms G280E, G690E, G722E.
Identifiers: ClinVar variation 3363655 (VCV003363655.1).

ClinVar aggregate classification (germline): Uncertain significance (1 of 4 stars; one submission).

gnomAD v4.1: 2 of 1,613,338 alleles (0.00012%); highest among the groups gnomAD compares: South Asian, 0.0011%; no homozygotes.

Submission:

GeneDx
Classification: Uncertain significance. Last evaluated: 2023-10-31. Review status: criteria provided, single submitter. Criteria: GeneDx Variant Classification Process June 2021. Collection method: clinical testing. Allele origin: germline. Affected: yes.
Comment: Not observed at significant frequency in large population cohorts (gnomAD); In silico analysis supports that this missense variant does not alter protein structure/function; Has not been previously published as pathogenic or benign to our knowledge